The following is an entry in ClinVar:

ClinVar aggregate classification (germline): Conflicting classifications of pathogenicity. Review status: criteria provided, conflicting classifications (1 of 4 stars). 4 submissions from 4 submitters: Uncertain significance (1); Benign (1); Likely benign (2). Last evaluated 2025-02-16.

Conditions:
Noonan syndrome 8 (NS8). Identifiers: Orphanet 648, MedGen C3809233, MONDO:0014143, OMIM 615355.

Allele frequency attached by ClinVar (database versions not stated): TOPMed below 0.00001; gnomAD exomes 0.00002 and 0.00003.
gnomAD v4.1: 38 of 1,614,006 alleles (0.0024%); highest among the groups gnomAD compares: Middle Eastern, 0.033%; no homozygotes.

Submissions (4):

Laboratory of Genetics, Children's Clinical University Hospital Latvia
Classification: Benign. Last evaluated: 2025-02-16. Review status: criteria provided, single submitter. Criteria: ACMG Guidelines, 2015. Collection method: clinical testing. Allele origin: germline. Affected: yes.

Labcorp Genetics (formerly Invitae), Labcorp
Classification: Uncertain significance for Noonan syndrome 8. Last evaluated: 2024-10-28. Review status: criteria provided, single submitter. Criteria: Invitae Variant Classification Sherloc (09022015). Collection method: clinical testing. Allele origin: germline.
Comment: This sequence change replaces arginine, which is basic and polar, with histidine, which is basic and polar, at codon 123 of the RIT1 protein (p.Arg123His). This variant is present in population databases (no rsID available, gnomAD 0.003%). This variant has not been reported in the literature in individuals affected with RIT1-related conditions. ClinVar contains an entry for this variant (Variation ID: 1009476). Invitae Evidence Modeling incorporating data from in vitro experimental studies (internal data) indicates that this missense variant is not expected to disrupt RIT1 function with a negative predictive value of 95%. In summary, the available evidence is currently insufficient to determine the role of this variant in disease. Therefore, it has been classified as a Variant of Uncertain Significance.

Blueprint Genetics
Classification: Likely benign. Last evaluated: 2024-09-12. Review status: criteria provided, single submitter. Criteria: ACMG Guidelines, 2015. Collection method: clinical testing. Allele origin: germline.

GeneDx
Classification: Likely benign. Last evaluated: 2020-12-16. Review status: criteria provided, single submitter. Criteria: GeneDx Variant Classification Process June 2021. Collection method: clinical testing. Allele origin: germline. Affected: yes.

NM_006912.6(RIT1):c.368G>A (p.Arg123His)

Gene: RIT1 (Ras like without CAAX 1; minus strand). Cytogenetic location: 1q22.
Variant type: single nucleotide variant.
Coding change: c.368G>A on transcript NM_006912.6 (MANE Select); coding-DNA position 368, G replaced by A.
Protein change: p.Arg123His; replaces arginine 123 with histidine.
Molecular consequence: missense variant.
Genome position (GRCh38, 1-based): chr1:155,904,372, C>T on the plus strand (G>A on the coding strand, the complement: RIT1 is on the minus strand). VCF-style: chr1-155904372-C-T. GRCh37 (hg19) VCF-style: chr1-155874163-C-T.
Other names: c.260G>A, p.Arg87His (NM_001256820.2); c.419G>A, p.Arg140His (NM_001256821.2); short protein forms R123H, R140H, R87H.
Identifiers: ClinVar variation 1009476 (VCV001009476.10), dbSNP rs977405637, ClinGen allele CA30984321.